The following is an entry in ClinVar:

NM_001114753.3(ENG):c.1505del (p.Gly502fs)

Genes: ENG (endoglin; minus strand), LOC102723566 (uncharacterized LOC102723566; plus strand). Cytogenetic location: 9q34.11.
Variant type: Deletion.
Coding change: c.1505del on transcript NM_001114753.3 (MANE Select); coding-DNA position 1505, one base deleted (G; older notation c.1505delG).
Protein change: p.Gly502fs; shifts the reading frame from glycine 502.
Molecular consequence: frameshift variant.
Genome position (GRCh38, 1-based): chr9:127,818,301, C deleted on the plus strand (G on the coding strand, the reverse complement: ENG is on the minus strand); the first of 2 consecutive C bases (chr9:127,818,301-127,818,302); deleting either gives the same sequence. VCF-style (leftmost placement, unchanged base first): chr9-127818300-GC-G. GRCh37 (hg19) VCF-style: chr9-130580579-GC-G.
Other names: c.1505del, p.Gly502fs (NM_000118.4); c.959del, p.Gly320fs (NM_001278138.2); short protein forms G320fs, G502fs.
Identifiers: ClinVar variation 4726681 (VCV004726681.1).

ClinVar aggregate classification (germline): Pathogenic (1 of 4 stars; one submission).

Conditions:
Hereditary hemorrhagic telangiectasia (HHT). Also called: ORW DISEASE; Osler Weber Rendu syndrome; OSLER-RENDU-WEBER DISEASE; Osler hemorrhagic telangiectasia syndrome. Identifiers: Orphanet 774, MedGen C0039445, MONDO:0019180. Disease mechanism: loss of function.

Submission:

Labcorp Genetics (formerly Invitae), Labcorp
Classification: Pathogenic for Hereditary hemorrhagic telangiectasia. Last evaluated: 2025-09-05. Review status: criteria provided, single submitter. Criteria: Invitae Variant Classification Sherloc (09022015). Collection method: clinical testing. Allele origin: germline.
Comment: This sequence change creates a premature translational stop signal (p.Gly502Alafs*16) in the ENG gene. It is expected to result in an absent or disrupted protein product. Loss-of-function variants in ENG are known to be pathogenic (PMID: 15879500). This variant is not present in population databases (gnomAD no frequency). This variant has not been reported in the literature in individuals affected with ENG-related conditions. For these reasons, this variant has been classified as Pathogenic.

Literature cited by the submitters: PubMed 15879500.